The following is an entry in ClinVar:

NM_206933.4(USH2A):c.13730C>G (p.Thr4577Ser)

Gene: USH2A (usherin; minus strand). Cytogenetic location: 1q41.
Variant type: single nucleotide variant.
Coding change: c.13730C>G on transcript NM_206933.4 (MANE Select); coding-DNA position 13730, C replaced by G.
Protein change: p.Thr4577Ser; replaces threonine 4577 with serine.
Molecular consequence: missense variant.
Genome position (GRCh38, 1-based): chr1:215,674,181, G>C on the plus strand (C>G on the coding strand, the complement: USH2A is on the minus strand). VCF-style: chr1-215674181-G-C. GRCh37 (hg19) VCF-style: chr1-215847523-G-C.
Other names: short protein forms T4577S.
Identifiers: ClinVar variation 1481670 (VCV001481670.3), dbSNP rs1657915062, ClinGen allele CA344843639.

ClinVar aggregate classification (germline): Uncertain significance (1 of 4 stars; one submission).

Allele frequency attached by ClinVar (database versions not stated): gnomAD exomes below 0.00001.
gnomAD v4.1: 2 of 1,614,090 alleles (0.00012%); highest among the groups gnomAD compares: Non-Finnish European, 0.00017%; no homozygotes.

Submission:

Labcorp Genetics (formerly Invitae), Labcorp
Classification: Uncertain significance. Last evaluated: 2022-07-20. Review status: criteria provided, single submitter. Criteria: Invitae Variant Classification Sherloc (09022015). Collection method: clinical testing. Allele origin: germline.
Comment: This sequence change replaces threonine, which is neutral and polar, with serine, which is neutral and polar, at codon 4577 of the USH2A protein (p.Thr4577Ser). This variant is not present in population databases (gnomAD no frequency). This variant has not been reported in the literature in individuals affected with USH2A-related conditions. ClinVar contains an entry for this variant (Variation ID: 1481670). Algorithms developed to predict the effect of missense changes on protein structure and function are either unavailable or do not agree on the potential impact of this missense change (SIFT: "Tolerated"; PolyPhen-2: "Possibly Damaging"; Align-GVGD: "Class C0"). Algorithms developed to predict the effect of sequence changes on RNA splicing suggest that this variant may create or strengthen a splice site. In summary, the available evidence is currently insufficient to determine the role of this variant in disease. Therefore, it has been classified as a Variant of Uncertain Significance.